The following is an entry in ClinVar:

ClinVar aggregate classification (germline): Benign (1 of 4 stars; one submission).

Allele frequency attached by ClinVar (database versions not stated): 1000 Genomes Project 30x 0.05247; 1000 Genomes Project 0.05272; gnomAD 0.06621 and 0.06799; TOPMed 0.06739.
gnomAD v4.1: 10,436 of 152,322 alleles (6.9%); highest among the groups gnomAD compares: South Asian, 13%; 475 homozygotes.

Submission:

GeneDx
Classification: Benign. Last evaluated: 2018-06-14. Review status: criteria provided, single submitter. Criteria: GeneDx Variant Classification (06012015). Collection method: clinical testing. Allele origin: germline. Affected: yes.
Comment: This variant is considered likely benign or benign based on one or more of the following criteria: it is a conservative change, it occurs at a poorly conserved position in the protein, it is predicted to be benign by multiple in silico algorithms, and/or has population frequency not consistent with disease.

NM_014244.5(ADAMTS2):c.976-161G>T

Gene: ADAMTS2 (ADAM metallopeptidase with thrombospondin type 1 motif 2; minus strand). Cytogenetic location: 5q35.3.
Variant type: single nucleotide variant.
Coding change: c.976-161G>T on transcript NM_014244.5 (MANE Select); 161 bases into the intron before coding-DNA position 976, G replaced by T.
Molecular consequence: intron variant.
Genome position (GRCh38, 1-based): chr5:179,159,040, C>A on the plus strand (G>T on the coding strand, the complement: ADAMTS2 is on the minus strand). VCF-style: chr5-179159040-C-A. GRCh37 (hg19) VCF-style: chr5-178586041-C-A.
Other names: c.976-161G>T (NM_021599.4).
Identifiers: ClinVar variation 674618 (VCV000674618.1), dbSNP rs112433508, ClinGen allele CA11991808.